The following is an entry in ClinVar:

ClinVar aggregate classification (germline): Pathogenic. Review status: criteria provided, multiple submitters, no conflicts (2 of 4 stars). 5 submissions from 5 submitters: Pathogenic (4). 1 of the submissions does not count toward it. Last evaluated 2026-01-09.

Conditions:
Retinal dystrophy. Also called: Inherited retinal dystrophy. Identifiers: Orphanet 71862, MedGen C0854723, MeSH D058499, MONDO:0019118, HP:0000556.
Retinitis pigmentosa (RP). Identifiers: Orphanet 791, MedGen C0035334, MeSH D012174, MONDO:0019200, OMIM 268000. Inheritance: Autosomal dominant, autosomal recessive and X linked inheritance.
Retinitis pigmentosa 25 (RP25). Identifiers: Orphanet 791, MedGen C1864446, MONDO:0011272, OMIM 602772.

Submissions (5):

Myriad Genetics, Inc.
Classification: Pathogenic for Retinitis pigmentosa 25. Last evaluated: 2026-01-09. Review status: criteria provided, single submitter. Criteria: Myriad Autosomal Dominant, Autosomal Recessive and X-Linked Classification Criteria (2023). Collection method: clinical testing. Allele origin: unknown.
Comment: NM_001142800.1(EYS):c.7048delT(C2350Afs*97) is a frameshift variant classified as pathogenic in the context of retinitis pigmentosa, EYS-related. C2350Afs*97 has been observed in a case with relevant disease (PMID: 27658286). Relevant functional assessments of this variant are not available in the literature. C2350Afs*97 has not been observed in referenced population frequency databases. In summary, NM_001142800.1(EYS):c.7048delT(C2350Afs*97) is a frameshift variant in a gene where loss of function is a known mechanism of disease, is predicted to disrupt protein function, and has been observed more frequently in cases with the relevant disease than in healthy populations. Please note: this variant was assessed in the context of healthy population screening.

Labcorp Genetics (formerly Invitae), Labcorp
Classification: Pathogenic. Last evaluated: 2025-12-30. Review status: criteria provided, single submitter. Criteria: Invitae Variant Classification Sherloc (09022015). Collection method: clinical testing. Allele origin: germline.
Comment: This sequence change creates a premature translational stop signal (p.Cys2350Alafs*97) in the EYS gene. It is expected to result in an absent or disrupted protein product. Loss-of-function variants in EYS are known to be pathogenic (PMID: 18836446, 20333770). This variant is not present in population databases (gnomAD no frequency). This premature translational stop signal has been observed in individual(s) with retinitis pigmentosa (PMID: 25324289). ClinVar contains an entry for this variant (Variation ID: 143109). For these reasons, this variant has been classified as Pathogenic.

Baylor Genetics
Classification: Pathogenic for Retinitis pigmentosa 25. Last evaluated: 2024-02-02. Review status: criteria provided, single submitter. Criteria: ACMG Guidelines, 2015. Collection method: clinical testing. Allele origin: unknown.

Dept Of Ophthalmology, Nagoya University
Classification: Pathogenic for Retinal dystrophy. Last evaluated: 2023-10-01. Review status: criteria provided, single submitter. Criteria: Submitter's publication. Collection method: research. Allele origin: germline. Affected: yes.

Department of Ophthalmology and Visual Sciences Kyoto University
Classification: Likely pathogenic for Retinitis pigmentosa. Review status: no assertion criteria provided. Collection method: not provided. Allele origin: unknown. Not counted in ClinVar's aggregate classification.
ClinVar note: Converted during submission from probable-pathogenic to Likely pathogenic.

Literature cited by the submitters: PubMed 27658286 (cited by Myriad Genetics, Inc.); PubMed 18836446 (cited by Labcorp Genetics (formerly Invitae), Labcorp); PubMed 20333770 (cited by Labcorp Genetics (formerly Invitae), Labcorp); PubMed 25324289 (cited by Labcorp Genetics (formerly Invitae), Labcorp).

NM_001142800.2(EYS):c.7048del (p.Cys2350fs)

Gene: EYS (EGF-like photoreceptor maintenance factor; minus strand). Cytogenetic location: 6q12.
Variant type: Deletion.
Coding change: c.7048del on transcript NM_001142800.2 (MANE Select); coding-DNA position 7048, one base deleted (T; older notation c.7048delT).
Protein change: p.Cys2350fs; shifts the reading frame from cysteine 2350.
Molecular consequence: frameshift variant.
Genome position (GRCh38, 1-based): chr6:63,984,390, A deleted on the plus strand (T on the coding strand, the reverse complement: EYS is on the minus strand). VCF-style (leftmost placement, unchanged base first): chr6-63984389-CA-C. GRCh37 (hg19) VCF-style: chr6-64694282-CA-C.
Other names: c.7048del, p.Cys2350fs (NM_001292009.2); c.7048delT (NM_001142800.2); short protein forms C2350fs.
Identifiers: ClinVar variation 143109 (VCV000143109.8), dbSNP rs527236069, ClinGen allele CA270061.
Genomic context (GRCh38, chr6:63,984,389, plus strand): 5'-TTAAGAATTTGGAGTCATGTAACGTAGGTTGGGAATCAGGAGACTAATACTGACCTGATG[CA>C]GGTGCCATTGTTGCGGCACAGATGATGAGCACACCAAGGGACGTGGCAGTTCTCAATATT-3'